The following is an entry in ClinVar:

ClinVar aggregate classification (germline): Conflicting classifications of pathogenicity. Review status: criteria provided, conflicting classifications (1 of 4 stars). 3 submissions from 3 submitters: Uncertain significance (1); Likely benign (2). Last evaluated 2026-09-26.

Conditions:
NHS-related disorder. Also called: NHS-related condition.
Inborn genetic diseases. Identifiers: MedGen C0950123, MeSH D030342.
Nance-Horan syndrome (NHS). Identifiers: Orphanet 627, MedGen C0796085, MONDO:0010545, OMIM 302350.

Allele frequency attached by ClinVar (database versions not stated): gnomAD 0.00030; 1000 Genomes Project 30x 0.00042; TOPMed 0.00054.
gnomAD v4.1: 52 of 1,117,409 alleles (0.0047%); highest among the groups gnomAD compares: Admixed American, 0.06%; no homozygotes.

Submissions (3):

PreventionGenetics, part of Exact Sciences
Classification: Likely benign for NHS-related condition. Last evaluated: 2026-09-26. Review status: criteria provided, single submitter. Criteria: ACMG Guidelines, 2015. Collection method: clinical testing. Allele origin: germline.
Comment: This variant is classified as likely benign based on ACMG/AMP sequence variant interpretation guidelines (Richards et al. 2015 PMID: 25741868, with internal and published modifications).

Labcorp Genetics (formerly Invitae), Labcorp
Classification: Uncertain significance for Nance-Horan syndrome. Last evaluated: 2026-02-03. Review status: criteria provided, single submitter. Criteria: Invitae Variant Classification Sherloc (09022015). Collection method: clinical testing. Allele origin: germline.
Comment: This sequence change replaces proline, which is neutral and non-polar, with threonine, which is neutral and polar, at codon 34 of the NHS protein (p.Pro34Thr). The frequency data for this variant in the population databases is considered unreliable, as metrics indicate poor data quality at this position in the gnomAD database. This variant has not been reported in the literature in individuals affected with NHS-related conditions. ClinVar contains an entry for this variant (Variation ID: 1795963). An algorithm developed to predict the effect of missense changes on protein structure and function (PolyPhen-2) suggests that this variant is likely to be disruptive. In summary, the available evidence is currently insufficient to determine the role of this variant in disease. Therefore, it has been classified as a Variant of Uncertain Significance.

Ambry Genetics
Classification: Likely benign for Inborn genetic diseases. Last evaluated: 2022-09-06. Review status: criteria provided, single submitter. Criteria: Ambry Variant Classification Scheme 2023. Collection method: clinical testing. Allele origin: germline.

NM_001291867.2(NHS):c.100C>A (p.Pro34Thr)

Gene: NHS (NHS actin remodeling regulator; plus strand). Cytogenetic location: Xp22.2.
Variant type: single nucleotide variant.
Coding change: c.100C>A on transcript NM_001291867.2 (MANE Select); coding-DNA position 100, C replaced by A.
Protein change: p.Pro34Thr; replaces proline 34 with threonine.
Molecular consequence: missense variant.
Genome position (GRCh38, 1-based): chrX:17,375,857, C>A. VCF-style: chrX-17375857-C-A. GRCh37 (hg19) VCF-style: chrX-17393980-C-A.
Other names: c.100C>A, p.Pro34Thr (NM_198270.4); c.100C>A (NM_198270.3); short protein forms P34T.
Identifiers: ClinVar variation 1795963 (VCV001795963.8), dbSNP rs954088519, ClinGen allele CA327283544.